The following is an entry in ClinVar:

ClinVar aggregate classification (germline): Uncertain significance (1 of 4 stars; one submission).

Submission:

Labcorp Genetics (formerly Invitae), Labcorp
Classification: Uncertain significance. Last evaluated: 2025-12-29. Review status: criteria provided, single submitter. Criteria: Invitae Variant Classification Sherloc (09022015). Collection method: clinical testing. Allele origin: germline.
Comment: This sequence change replaces glutamic acid, which is acidic and polar, with alanine, which is neutral and non-polar, at codon 847 of the KANK1 protein (p.Glu847Ala). This variant is not present in population databases (gnomAD no frequency). This variant has not been reported in the literature in individuals affected with KANK1-related conditions. Invitae Evidence Modeling of protein sequence and biophysical properties (such as structural, functional, and spatial information, amino acid conservation, physicochemical variation, residue mobility, and thermodynamic stability) indicates that this missense variant is expected to disrupt KANK1 protein function with a positive predictive value of 80%. In summary, the available evidence is currently insufficient to determine the role of this variant in disease. Therefore, it has been classified as a Variant of Uncertain Significance.

NM_015158.5(KANK1):c.2540A>C (p.Glu847Ala)

Gene: KANK1 (KN motif and ankyrin repeat domains 1; plus strand). Cytogenetic location: 9p24.3.
Variant type: single nucleotide variant.
Coding change: c.2540A>C on transcript NM_015158.5 (MANE Select); coding-DNA position 2540, A replaced by C.
Protein change: p.Glu847Ala; replaces glutamic acid 847 with alanine.
Molecular consequence: missense variant. On other transcripts: non-coding transcript variant (1).
Genome position (GRCh38, 1-based): chr9:713,306, A>C. VCF-style: chr9-713306-A-C. GRCh37 (hg19) VCF-style: chr9-713306-A-C.
Other names: c.2540A>C, p.Glu847Ala (NM_001256876.3, NM_001256877.3, NM_001354331.2 and 3 more transcripts); c.2066A>C, p.Glu689Ala (NM_001354333.2, NM_001354335.2, NM_001354336.2 and 10 more transcripts); short protein forms E689A, E847A.
Identifiers: ClinVar variation 4743790 (VCV004743790.1).